The following is an entry in ClinVar:

NM_001330691.3(CEP78):c.1788A>G (p.Gln596=)

Gene: CEP78 (centrosomal protein 78; plus strand). Cytogenetic location: 9q21.2.
Variant type: single nucleotide variant.
Coding change: c.1788A>G on transcript NM_001330691.3 (MANE Select); coding-DNA position 1788, A replaced by G.
Protein change: p.Gln596=; no amino-acid change (glutamine 596 retained).
Molecular consequence: synonymous variant.
Genome position (GRCh38, 1-based): chr9:78,265,534, A>G. VCF-style: chr9-78265534-A-G. GRCh37 (hg19) VCF-style: chr9-80880450-A-G.
Other names: c.1791A>G, p.Gln597= (NM_001098802.3, NM_001349839.2, NM_001349840.2 and 1 more transcripts); c.1788A>G, p.Gln596= (NM_001330693.3, NM_001330694.2, NM_001349838.2).
Identifiers: ClinVar variation 667041 (VCV000667041.15), dbSNP rs61730341, ClinGen allele CA5095352.

ClinVar aggregate classification (germline): Benign. Review status: criteria provided, multiple submitters, no conflicts (2 of 4 stars). 3 submissions from 3 submitters: Benign (3). Last evaluated 2026-01-27.

Allele frequency attached by ClinVar (database versions not stated): gnomAD exomes 0.00104 and 0.00279; ExAC 0.00564; gnomAD 0.00962 and 0.01018; ESP Exome Variant Server 0.00966; TOPMed 0.01143; 1000 Genomes Project 0.01338; 1000 Genomes Project 30x 0.01452.
gnomAD v4.1: 3,026 of 1,566,260 alleles (0.19%); highest among the groups gnomAD compares: African/African-American, 3.4%; 58 homozygotes.

Submissions (3):

Labcorp Genetics (formerly Invitae), Labcorp
Classification: Benign. Last evaluated: 2026-01-27. Review status: criteria provided, single submitter. Criteria: Invitae Variant Classification Sherloc (09022015). Collection method: clinical testing. Allele origin: germline.

Laboratory for Molecular Medicine, Mass General Brigham Personalized Medicine
Classification: Benign. Last evaluated: 2017-08-23. Review status: criteria provided, single submitter. Criteria: LMM Criteria. Collection method: clinical testing. Allele origin: germline. Observed: 3 variant alleles.
Comment: p.Gln597Gln in exon 14 of CEP78: This variant is not expected to have clinical s ignificance because it does not alter an amino acid residue, is not located with in the splice consensus sequence, and has been identified in 4.96% (167/3364) of African chromosomes by the Exome Aggregation Consortium (ExAC; dbSNP rs61730341).

Breakthrough Genomics
Classification: Benign. Review status: criteria provided, single submitter. Criteria: ACMG Guidelines, 2015. Collection method: not provided. Allele origin: germline. Inheritance: Autosomal recessive inheritance. Affected: yes.